The following is an entry in ClinVar:

ClinVar aggregate classification (germline): Uncertain significance. Review status: criteria provided, single submitter (1 of 4 stars). 2 submissions from 2 submitters: Uncertain significance (1). 1 of the submissions does not count toward it. Last evaluated 2020-09-23.

Conditions:
RERE-related disorder. Also called: RERE-Related Disorders; RERE-related condition. Identifiers: MedGen CN381537.
Neurodevelopmental disorder with or without anomalies of the brain, eye, or heart (NEDBEH). Identifiers: Orphanet 494344, MedGen C5567477, MONDO:0014857, OMIM 616975.

Allele frequency attached by ClinVar (database versions not stated): gnomAD 0.00002 and 0.00003; TOPMed 0.00004.
gnomAD v4.1: 6 of 1,614,080 alleles (0.00037%); highest among the groups gnomAD compares: Admixed American, 0.005%; no homozygotes.

Submissions (2):

New York Genome Center
Classification: Uncertain significance for Neurodevelopmental disorder with or without anomalies of the brain, eye, or heart. Last evaluated: 2020-09-23. Review status: criteria provided, single submitter. Criteria: NYGC Assertion Criteria 2020. Collection method: clinical testing. Allele origin: inherited. Observed: 1 heterozygote. Study: CSER-NYCKidSeq.

PreventionGenetics, part of Exact Sciences
Classification: Uncertain significance for RERE-related condition. Last evaluated: 2024-01-22. Review status: no assertion criteria provided. Collection method: clinical testing. Allele origin: germline. Not counted in ClinVar's aggregate classification.
Comment: The RERE c.1712G>A variant is predicted to result in the amino acid substitution p.Ser571Asn. To our knowledge, this variant has not been reported in the literature or in a large population database, indicating this variant is rare. At this time, the clinical significance of this variant is uncertain due to the absence of conclusive functional and genetic evidence.

NM_001042681.2(RERE):c.1712G>A (p.Ser571Asn)

Gene: RERE (arginine-glutamic acid dipeptide repeats; minus strand). Cytogenetic location: 1p36.23.
Variant type: single nucleotide variant.
Coding change: c.1712G>A on transcript NM_001042681.2 (MANE Select); coding-DNA position 1712, G replaced by A.
Protein change: p.Ser571Asn; replaces serine 571 with asparagine.
Molecular consequence: missense variant.
Genome position (GRCh38, 1-based): chr1:8,364,084, C>T on the plus strand (G>A on the coding strand, the complement: RERE is on the minus strand). VCF-style: chr1-8364084-C-T. GRCh37 (hg19) VCF-style: chr1-8424144-C-T.
Other names: c.50G>A, p.Ser17Asn (NM_001042682.2); c.1712G>A, p.Ser571Asn (NM_012102.4); c.1712G>A (NM_012102.3); short protein forms S17N, S571N.
Identifiers: ClinVar variation 1213712 (VCV001213712.2), dbSNP rs1048848500, ClinGen allele CA17700601.